The following is an entry in ClinVar:

ClinVar aggregate classification (germline): Uncertain significance. Review status: criteria provided, multiple submitters, no conflicts (2 of 4 stars). 3 submissions from 3 submitters: Uncertain significance (3). Last evaluated 2025-05-20.

Conditions:
Inborn genetic diseases. Identifiers: MedGen C0950123, MeSH D030342.

Allele frequency attached by ClinVar (database versions not stated): gnomAD exomes below 0.00001 and 0.00001; gnomAD 0.00001; ExAC 0.00002.
gnomAD v4.1: 5 of 1,613,968 alleles (0.00031%); highest among the groups gnomAD compares: South Asian, 0.0011%; no homozygotes.

Submissions (3):

Ambry Genetics
Classification: Uncertain significance for Inborn genetic diseases. Last evaluated: 2025-05-20. Review status: criteria provided, single submitter. Criteria: Ambry Variant Classification Scheme 2023. Collection method: clinical testing. Allele origin: germline.

Labcorp Genetics (formerly Invitae), Labcorp
Classification: Uncertain significance. Last evaluated: 2022-07-19. Review status: criteria provided, single submitter. Criteria: Invitae Variant Classification Sherloc (09022015). Collection method: clinical testing. Allele origin: germline.
Comment: This sequence change replaces phenylalanine, which is neutral and non-polar, with leucine, which is neutral and non-polar, at codon 4036 of the USH2A protein (p.Phe4036Leu). This variant is present in population databases (rs747696611, gnomAD 0.002%). This variant has not been reported in the literature in individuals affected with USH2A-related conditions. ClinVar contains an entry for this variant (Variation ID: 1386674). Algorithms developed to predict the effect of missense changes on protein structure and function are either unavailable or do not agree on the potential impact of this missense change (SIFT: "Deleterious"; PolyPhen-2: "Probably Damaging"; Align-GVGD: "Class C15"). In summary, the available evidence is currently insufficient to determine the role of this variant in disease. Therefore, it has been classified as a Variant of Uncertain Significance.

Blueprint Genetics
Classification: Uncertain significance. Last evaluated: 2019-11-26. Review status: criteria provided, single submitter. Criteria: ACMG Guidelines, 2015. Collection method: clinical testing. Allele origin: germline.

NM_206933.4(USH2A):c.12106T>C (p.Phe4036Leu)

Gene: USH2A (usherin; minus strand). Cytogenetic location: 1q41.
Variant type: single nucleotide variant.
Coding change: c.12106T>C on transcript NM_206933.4 (MANE Select); coding-DNA position 12106, T replaced by C.
Protein change: p.Phe4036Leu; replaces phenylalanine 4036 with leucine.
Molecular consequence: missense variant.
Genome position (GRCh38, 1-based): chr1:215,680,337, A>G on the plus strand (T>C on the coding strand, the complement: USH2A is on the minus strand). VCF-style: chr1-215680337-A-G. GRCh37 (hg19) VCF-style: chr1-215853679-A-G.
Other names: c.12106T>C (NM_206933.2); short protein forms F4036L.
Identifiers: ClinVar variation 1386674 (VCV001386674.5), dbSNP rs747696611, ClinGen allele CA1393538.